The following is an entry in ClinVar:

ClinVar aggregate classification (germline): Uncertain significance (1 of 4 stars; one submission).

Conditions:
Autosomal dominant childhood-onset proximal spinal muscular atrophy with contractures (SMALED2A). Also called: Spinal muscular atrophy, lower extremity-predominant, 2A, autosomal dominant; SPINAL MUSCULAR ATROPHY, LOWER EXTREMITY-PREDOMINANT, 2A, CHILDHOOD ONSET, AUTOSOMAL DOMINANT. Identifiers: Orphanet 363447, Orphanet 363454, MedGen C4747715, MONDO:0014121, OMIM 615290.

Allele frequency attached by ClinVar (database versions not stated): TOPMed 0.00001.

Submission:

Labcorp Genetics (formerly Invitae), Labcorp
Classification: Uncertain significance for Autosomal dominant childhood-onset proximal spinal muscular atrophy with contractures. Last evaluated: 2023-07-21. Review status: criteria provided, single submitter. Criteria: Invitae Variant Classification Sherloc (09022015). Collection method: clinical testing. Allele origin: germline.
Comment: ClinVar contains an entry for this variant (Variation ID: 1425660). This variant has not been reported in the literature in individuals affected with BICD2-related conditions. In summary, the available evidence is currently insufficient to determine the role of this variant in disease. Therefore, it has been classified as a Variant of Uncertain Significance. Advanced modeling of protein sequence and biophysical properties (such as structural, functional, and spatial information, amino acid conservation, physicochemical variation, residue mobility, and thermodynamic stability) performed at Invitae indicates that this missense variant is not expected to disrupt BICD2 protein function. This variant is not present in population databases (gnomAD no frequency). This sequence change replaces leucine, which is neutral and non-polar, with valine, which is neutral and non-polar, at codon 617 of the BICD2 protein (p.Leu617Val).

NM_001003800.2(BICD2):c.1849C>G (p.Leu617Val)

Gene: BICD2 (BICD cargo adaptor 2; minus strand). Cytogenetic location: 9q22.31.
Variant type: single nucleotide variant.
Coding change: c.1849C>G on transcript NM_001003800.2 (MANE Select); coding-DNA position 1849, C replaced by G.
Protein change: p.Leu617Val; replaces leucine 617 with valine.
Molecular consequence: missense variant.
Genome position (GRCh38, 1-based): chr9:92,718,796, G>C on the plus strand (C>G on the coding strand, the complement: BICD2 is on the minus strand). VCF-style: chr9-92718796-G-C. GRCh37 (hg19) VCF-style: chr9-95481078-G-C.
Other names: c.1849C>G, p.Leu617Val (NM_015250.4); short protein forms L617V.
Identifiers: ClinVar variation 1425660 (VCV001425660.6), dbSNP rs990859311, ClinGen allele CA374035369.
Genomic context (GRCh38, chr9:92,718,796, plus strand): 5'-GGTCACGGATGATAGCGATCAGGTTGTAGATGTTCATGGGCTCCCGGCGTGGGTCACTCA[G>C]GGGTGATGGCAGTGAGGAGCCAGGCGAGGGGCTGCTGTCCCCCGTCCCACCATCTGCTCG-3'
Protein context (NP_001003800.1, residues 607-627): PSPGSSLPSP[Leu617Val]SDPRREPMNI